The following is an entry in ClinVar:

NM_004667.6(HERC2):c.4427C>T (p.Ser1476Leu)

Gene: HERC2 (HECT and RLD domain containing E3 ubiquitin protein ligase 2; minus strand). Cytogenetic location: 15q13.1.
Variant type: single nucleotide variant.
Coding change: c.4427C>T on transcript NM_004667.6 (MANE Select); coding-DNA position 4427, C replaced by T.
Protein change: p.Ser1476Leu; replaces serine 1476 with leucine.
Molecular consequence: missense variant.
Genome position (GRCh38, 1-based): chr15:28,233,486, G>A on the plus strand (C>T on the coding strand, the complement: HERC2 is on the minus strand). VCF-style: chr15-28233486-G-A. GRCh37 (hg19) VCF-style: chr15-28478632-G-A.
Other names: short protein forms S1476L.
Identifiers: ClinVar variation 2444778 (VCV002444778.1), dbSNP rs2549207461, ClinGen allele CA391384141.

ClinVar aggregate classification (germline): Uncertain significance (1 of 4 stars; one submission).

Allele frequency attached by ClinVar (database versions not stated): gnomAD exomes below 0.00001.
gnomAD v4.1: 1 of 1,491,918 alleles (0.000067%); highest among the groups gnomAD compares: Non-Finnish European, 0.000094%; no homozygotes.

Submission:

GeneDx
Classification: Uncertain significance. Last evaluated: 2022-09-16. Review status: criteria provided, single submitter. Criteria: GeneDx Variant Classification Process June 2021. Collection method: clinical testing. Allele origin: germline. Affected: yes.
Comment: Not observed at significant frequency in large population cohorts (gnomAD); In silico analysis supports that this missense variant has a deleterious effect on protein structure/function; Has not been previously published as pathogenic or benign to our knowledge